The following is an entry in ClinVar:

NM_001148.6(ANK2):c.11333G>A (p.Gly3778Glu)

Gene: ANK2 (ankyrin 2; plus strand). Cytogenetic location: 4q26.
Variant type: single nucleotide variant.
Coding change: c.11333G>A on transcript NM_001148.6 (MANE Select); coding-DNA position 11333, G replaced by A.
Protein change: p.Gly3778Glu; replaces glycine 3778 with glutamic acid.
Molecular consequence: missense variant.
Genome position (GRCh38, 1-based): chr4:113,369,528, G>A. VCF-style: chr4-113369528-G-A. GRCh37 (hg19) VCF-style: chr4-114290684-G-A.
Other names: c.5051G>A, p.Gly1684Glu (NM_001127493.3); c.5090G>A, p.Gly1697Glu (NM_001354225.2); c.4979G>A, p.Gly1660Glu (NM_001354228.2, NM_001354258.2); c.5057G>A, p.Gly1686Glu (NM_001354230.2); c.5120G>A, p.Gly1707Glu (NM_001354231.2, NM_001354242.2); c.5114G>A, p.Gly1705Glu (NM_001354232.2); c.5075G>A, p.Gly1692Glu (NM_001354235.2, NM_001354246.2, NM_001354265.2); c.4976G>A, p.Gly1659Glu (NM_001354236.2); and 35 more; short protein forms G1532E, G1565E, G1593E, G1598E, G1606E, G1615E, G1618E, G1620E.
Identifiers: ClinVar variation 1718479 (VCV001718479.5), dbSNP rs2154065804, ClinGen allele CA357942490.
Genomic context (GRCh38, chr4:113,369,528, plus strand): 5'-TGAAATGCAAATGTCCCTGAAGTCTCATTTGGCTTTTTGATTCCAGTGTGACAACTCCAG[G>A]AACAGAAACATCAGAGACTCAGAAGGCTATGATAGTACCCAGCTCTCCCAGCAAGACACC-3'
Protein context (NP_001139.3, residues 3768-3788): YQQEYFVTTP[Gly3778Glu]TETSETQKAM

ClinVar aggregate classification (germline): Uncertain significance (1 of 4 stars; one submission).

Conditions:
Long QT syndrome (LQTS). Identifiers: MedGen C0023976, MeSH D008133, MONDO:0002442. Disease mechanism: loss of function. Inheritance: Various modes of inheritance.

Submission:

Labcorp Genetics (formerly Invitae), Labcorp
Classification: Uncertain significance for Long QT syndrome. Last evaluated: 2023-08-04. Review status: criteria provided, single submitter. Criteria: Invitae Variant Classification Sherloc (09022015). Collection method: clinical testing. Allele origin: germline.
Comment: This sequence change replaces glycine, which is neutral and non-polar, with glutamic acid, which is acidic and polar, at codon 3778 of the ANK2 protein (p.Gly3778Glu). This variant is not present in population databases (gnomAD no frequency). This variant has not been reported in the literature in individuals affected with ANK2-related conditions. ClinVar contains an entry for this variant (Variation ID: 1718479). An algorithm developed to predict the effect of missense changes on protein structure and function (PolyPhen-2) suggests that this variant is likely to be disruptive. In summary, the available evidence is currently insufficient to determine the role of this variant in disease. Therefore, it has been classified as a Variant of Uncertain Significance.